The following is an entry in ClinVar:

ClinVar aggregate classification (germline): Pathogenic (1 of 4 stars; one submission).

Conditions:
Carnitine deficiency. Identifiers: MedGen C1142132.

Submission:

Natera, Inc.
Classification: Pathogenic for Carnitine deficiency. Last evaluated: 2025-11-07. Review status: criteria provided, single submitter. Criteria: Natera Variant Classification Schema (03/2026). Collection method: clinical testing. Allele origin: germline.
Comment: The c.246_250delCCGCTinsTCGCTACCGGCTCGCC variant in SLC22A5 is a frameshift variant predicted to shift the reading frame beginning at codon 89 and leads to a stop codon 45 codons downstream. This variant is expected to result in nonsense mediated decay, truncation, or a dysfunctional protein product. This variant is rare in the general population with a frequency below the threshold expected for the associated phenotype(s). This variant has been observed in one or more individuals affected with the associated recessive disease, as either homozygous or compound heterozygous with a second variant (PMID: 36755623). Given the available evidence, this variant is classified as Pathogenic.

Literature cited by the submitters: PubMed 36755623.

NM_003060.4(SLC22A5):c.246_250delinsTCGCTACCGGCTCGCC (p.Ile89fs)

Gene: SLC22A5 (solute carrier family 22 member 5; plus strand). Cytogenetic location: 5q31.1.
Variant type: Indel.
Coding change: c.246_250delinsTCGCTACCGGCTCGCC on transcript NM_003060.4 (MANE Select); coding-DNA positions 246 to 250, CCGCT replaced by TCGCTACCGGCTCGCC.
Protein change: p.Ile89fs; shifts the reading frame from isoleucine 89.
Molecular consequence: frameshift variant.
Genome position (GRCh38, 1-based): chr5:132,370,218-132,370,222, CCGCT replaced by TCGCTACCGGCTCGCC. VCF-style: chr5-132370218-CCGCT-TCGCTACCGGCTCGCC. GRCh37 (hg19) VCF-style: chr5-131705910-CCGCT-TCGCTACCGGCTCGCC.
Other names: c.246_250delinsTCGCTACCGGCTCGCC, p.Ile89fs (NM_001308122.2); short protein forms I89fs.
Identifiers: ClinVar variation 4815087 (VCV004815087.1).